The following is an entry in ClinVar:

NM_006306.4(SMC1A):c.1255G>A (p.Ala419Thr)

Gene: SMC1A (structural maintenance of chromosomes 1A; minus strand). Cytogenetic location: Xp11.22.
Variant type: single nucleotide variant.
Coding change: c.1255G>A on transcript NM_006306.4 (MANE Select); coding-DNA position 1255, G replaced by A.
Protein change: p.Ala419Thr; replaces alanine 419 with threonine.
Molecular consequence: missense variant.
Genome position (GRCh38, 1-based): chrX:53,409,503, C>T on the plus strand (G>A on the coding strand, the complement: SMC1A is on the minus strand). VCF-style: chrX-53409503-C-T. GRCh37 (hg19) VCF-style: chrX-53436434-C-T.
Other names: c.1189G>A, p.Ala397Thr (NM_001281463.1); short protein forms A397T, A419T.
Identifiers: ClinVar variation 1306611 (VCV001306611.2), dbSNP rs2146602550, ClinGen allele CA413256066.
Genomic context (GRCh38, chrX:53,409,503, plus strand): 5'-CCAGTTTCTCAATCCGCTTCTGATTCTCTTCAATTTCCCGCAGCTTTTGCTTGATCTTGG[C>T]CTGGGAAACAAACATTCCATCATCAGGGGCTGCACGAGTTTACGCCAAGACCATGGGGGC-3'
Protein context (NP_006297.2, residues 409-429): LEERKKVETE[Ala419Thr]KIKQKLREIE

ClinVar aggregate classification (germline): Uncertain significance (1 of 4 stars; one submission).

Submission:

GeneDx
Classification: Uncertain significance. Last evaluated: 2019-06-24. Review status: criteria provided, single submitter. Criteria: GeneDx Variant Classification Process June 2021. Collection method: clinical testing. Allele origin: germline. Affected: yes.
Comment: Not observed in large population cohorts (Lek et al., 2016); In silico analysis, which includes protein predictors and evolutionary conservation, supports that this variant does not alter protein structure/function; Has not been previously published as pathogenic or benign to our knowledge